The following is an entry in ClinVar:

ClinVar aggregate classification (germline): Likely benign (0 of 4 stars; one submission).

Conditions:
FBN2-related disorder. Also called: FBN2-related condition.

Submission:

PreventionGenetics, part of Exact Sciences
Classification: Likely benign for FBN2-related condition. Last evaluated: 2021-12-29. Review status: no assertion criteria provided. Collection method: clinical testing. Allele origin: germline.
Comment: This variant is classified as likely benign based on ACMG/AMP sequence variant interpretation guidelines (Richards et al. 2015 PMID: 25741868, with internal and published modifications).

NM_001999.4(FBN2):c.4880-5T>C

Gene: FBN2 (fibrillin 2; minus strand). Cytogenetic location: 5q23.3.
Variant type: single nucleotide variant.
Coding change: c.4880-5T>C on transcript NM_001999.4 (MANE Select); 5 bases into the intron before coding-DNA position 4880, T replaced by C.
Molecular consequence: intron variant.
Genome position (GRCh38, 1-based): chr5:128,311,958, A>G on the plus strand (T>C on the coding strand, the complement: FBN2 is on the minus strand). VCF-style: chr5-128311958-A-G. GRCh37 (hg19) VCF-style: chr5-127647650-A-G.
Identifiers: ClinVar variation 3061551 (VCV003061551.2), dbSNP rs2479741713, ClinGen allele CA2740094072.